The following is an entry in ClinVar:

ClinVar aggregate classification (germline): Uncertain significance (1 of 4 stars; one submission).

Submission:

Labcorp Genetics (formerly Invitae), Labcorp
Classification: Uncertain significance. Last evaluated: 2023-11-21. Review status: criteria provided, single submitter. Criteria: Invitae Variant Classification Sherloc (09022015). Collection method: clinical testing. Allele origin: germline.
Comment: This sequence change creates a premature translational stop signal (p.His889Argfs*18) in the TOPORS gene. While this is not anticipated to result in nonsense mediated decay, it is expected to disrupt the last 157 amino acid(s) of the TOPORS protein. This variant is not present in population databases (gnomAD no frequency). This variant has not been reported in the literature in individuals affected with TOPORS-related conditions. Experimental studies and prediction algorithms are not available or were not evaluated, and the functional significance of this variant is currently unknown. In summary, the available evidence is currently insufficient to determine the role of this variant in disease. Therefore, it has been classified as a Variant of Uncertain Significance.

NM_005802.5(TOPORS):c.2665_2668del (p.His889fs)

Gene: TOPORS (TOP1 binding arginine/serine rich protein, E3 ubiquitin ligase; minus strand). Cytogenetic location: 9p21.1.
Variant type: Deletion.
Coding change: c.2665_2668del on transcript NM_005802.5 (MANE Select); coding-DNA positions 2665 to 2668, 4 bases deleted (CATA; older notation c.2665_2668delCATA).
Protein change: p.His889fs; shifts the reading frame from histidine 889.
Molecular consequence: frameshift variant.
Genome position (GRCh38, 1-based): chr9:32,541,857-32,541,860, TATG deleted on the plus strand (CATA on the coding strand, the reverse complement: TOPORS is on the minus strand); deleting any 4 consecutive bases within chr9:32,541,857-32,541,861 gives the same sequence; the c. name uses the placement nearest the transcript's 3' end. VCF-style (leftmost placement, unchanged base first): chr9-32541856-TTATG-T. GRCh37 (hg19) VCF-style: chr9-32541854-TTATG-T.
Other names: c.2470_2473del, p.His824fs (NM_001195622.2); short protein forms H824fs, H889fs.
Identifiers: ClinVar variation 2698014 (VCV002698014.3), dbSNP rs2489445727, ClinGen allele CA2517270210.